The following is an entry in ClinVar:

NM_001963.6(EGF):c.3162C>G (p.Ala1054=)

Gene: EGF (epidermal growth factor; plus strand). Cytogenetic location: 4q25.
Variant type: single nucleotide variant.
Coding change: c.3162C>G on transcript NM_001963.6 (MANE Select); coding-DNA position 3162, C replaced by G.
Protein change: p.Ala1054=; no amino-acid change (alanine 1054 retained).
Molecular consequence: synonymous variant.
Genome position (GRCh38, 1-based): chr4:109,999,835, C>G. VCF-style: chr4-109999835-C-G. GRCh37 (hg19) VCF-style: chr4-110920991-C-G.
Other names: c.3039C>G, p.Ala1013= (NM_001178130.3); c.3036C>G, p.Ala1012= (NM_001178131.3); c.2793C>G, p.Ala931= (NM_001357021.2).
Identifiers: ClinVar variation 347256 (VCV000347256.23), dbSNP rs548762791, ClinGen allele CA3044185.

ClinVar aggregate classification (germline): Conflicting classifications of pathogenicity. Review status: criteria provided, conflicting classifications (1 of 4 stars). 4 submissions from 4 submitters: Uncertain significance (1); Likely benign (3). Last evaluated 2025-05-01.

Conditions:
Renal hypomagnesemia 4. Also called: HYPOMAGNESEMIA, RENAL, NORMOCALCIURIC. Identifiers: Orphanet 34527, MedGen C2673648, MONDO:0012717, OMIM 611718.

Allele frequency attached by ClinVar (database versions not stated): gnomAD 0.00003; TOPMed 0.00006.
gnomAD v4.1: 63 of 1,613,364 alleles (0.0039%); highest among the groups gnomAD compares: Middle Eastern, 0.22%; no homozygotes.

Submissions (4):

CeGaT Center for Human Genetics Tuebingen
Classification: Likely benign. Last evaluated: 2025-05-01. Review status: criteria provided, single submitter. Criteria: CeGaT Center For Human Genetics Tuebingen Variant Classification Criteria Version 2. Collection method: clinical testing. Allele origin: germline. Affected: yes. Observed: 1 variant allele.
Comment: EGF: BP4, BP7

Blueprint Genetics
Classification: Likely benign. Last evaluated: 2024-11-04. Review status: criteria provided, single submitter. Criteria: ACMG Guidelines, 2015. Collection method: clinical testing. Allele origin: germline.

Labcorp Genetics (formerly Invitae), Labcorp
Classification: Likely benign. Last evaluated: 2024-09-09. Review status: criteria provided, single submitter. Criteria: Invitae Variant Classification Sherloc (09022015). Collection method: clinical testing. Allele origin: germline.

Illumina Laboratory Services, Illumina
Classification: Uncertain significance for Renal hypomagnesemia 4. Last evaluated: 2018-01-13. Review status: criteria provided, single submitter. Criteria: ICSL Variant Classification Criteria 13 December 2019. Collection method: clinical testing. Allele origin: germline.